The following is an entry in ClinVar:

ClinVar aggregate classification (germline): Uncertain significance (1 of 4 stars; one submission).

Allele frequency attached by ClinVar (database versions not stated): gnomAD exomes below 0.00001 and 0.00002; gnomAD 0.00001; ExAC 0.00009; 1000 Genomes Project 30x 0.00016; 1000 Genomes Project 0.00020.
gnomAD v4.1: 9 of 1,554,708 alleles (0.00058%); highest among the groups gnomAD compares: South Asian, 0.0024%; no homozygotes.

Submission:

Labcorp Genetics (formerly Invitae), Labcorp
Classification: Uncertain significance. Last evaluated: 2021-02-03. Review status: criteria provided, single submitter. Criteria: Invitae Variant Classification Sherloc (09022015). Collection method: clinical testing. Allele origin: germline.
Comment: This sequence change replaces arginine with histidine at codon 1270 of the HTT protein (p.Arg1270His). The arginine residue is moderately conserved and there is a small physicochemical difference between arginine and histidine. This variant is present in population databases (rs199529839, ExAC 0.04%). This variant has not been reported in the literature in individuals with HTT-related conditions. Experimental studies and prediction algorithms are not available or were not evaluated, and the functional significance of this variant is currently unknown. In summary, the available evidence is currently insufficient to determine the role of this variant in disease. Therefore, it has been classified as a Variant of Uncertain Significance.

NM_001388492.1(HTT):c.3803G>A (p.Arg1268His)

Gene: HTT (huntingtin; plus strand). Cytogenetic location: 4p16.3.
Variant type: single nucleotide variant.
Coding change: c.3803G>A on transcript NM_001388492.1 (MANE Select); coding-DNA position 3803, G replaced by A.
Protein change: p.Arg1268His; replaces arginine 1268 with histidine.
Molecular consequence: missense variant.
Genome position (GRCh38, 1-based): chr4:3,160,331, G>A. VCF-style: chr4-3160331-G-A. GRCh37 (hg19) VCF-style: chr4-3162058-G-A.
Other names: c.3809G>A, p.Arg1270His (NM_002111.8); short protein forms R1270H, R1268H.
Identifiers: ClinVar variation 1407461 (VCV001407461.1), dbSNP rs199529839, ClinGen allele CA2824234.